The following is an entry in ClinVar:

ClinVar aggregate classification (germline): Uncertain significance. Review status: criteria provided, multiple submitters, no conflicts (2 of 4 stars). 5 submissions from 5 submitters: Uncertain significance (4). 1 of the submissions does not count toward it. Last evaluated 2023-02-08.

Conditions:
Hereditary hemochromatosis (HFE). Identifiers: MedGen C0392514, MONDO:0006507. Disease mechanism: loss of function.
Hemochromatosis type 1 (HFE1). Also called: HFE-Associated Hereditary Hemochromatosis; HFE-Related Hemochromatosis. Identifiers: Orphanet 465508, MedGen C3469186, MONDO:0021001, OMIM 235200. Disease mechanism: loss of function.

Allele frequency attached by ClinVar (database versions not stated): ExAC 0.00001; TOPMed 0.00002; gnomAD 0.00004 and 0.00005.

Submissions (5):

Genome-Nilou Lab
Classification: Uncertain significance for Hemochromatosis type 1. Last evaluated: 2023-02-08. Review status: criteria provided, single submitter. Criteria: ACMG Guidelines, 2015. Collection method: clinical testing. Allele origin: germline.

Labcorp Genetics (formerly Invitae), Labcorp
Classification: Uncertain significance for Hereditary hemochromatosis. Last evaluated: 2021-12-13. Review status: criteria provided, single submitter. Criteria: Invitae Variant Classification Sherloc (09022015). Collection method: clinical testing. Allele origin: germline.
Comment: This sequence change replaces leucine, which is neutral and non-polar, with valine, which is neutral and non-polar, at codon 14 of the HFE protein (p.Leu14Val). This variant is present in population databases (rs201657128, gnomAD 0.01%). This variant has not been reported in the literature in individuals affected with HFE-related conditions. ClinVar contains an entry for this variant (Variation ID: 907724). Algorithms developed to predict the effect of missense changes on protein structure and function (SIFT, PolyPhen-2, Align-GVGD) all suggest that this variant is likely to be tolerated. In summary, the available evidence is currently insufficient to determine the role of this variant in disease. Therefore, it has been classified as a Variant of Uncertain Significance.

GeneDx
Classification: Uncertain significance. Last evaluated: 2021-04-22. Review status: criteria provided, single submitter. Criteria: GeneDx Variant Classification Process June 2021. Collection method: clinical testing. Allele origin: germline. Affected: yes.
Comment: Not observed at a significant frequency in large population cohorts (Lek et al., 2016); Has not been previously published as pathogenic or benign to our knowledge

Illumina Laboratory Services, Illumina
Classification: Uncertain significance for Hemochromatosis type 1. Last evaluated: 2017-04-27. Review status: criteria provided, single submitter. Criteria: ICSL Variant Classification Criteria 13 December 2019. Collection method: clinical testing. Allele origin: germline.

Zotz-Klimas Genetics Lab, MVZ Zotz Klimas
Classification: Uncertain significance for Hemochromatosis type 1. Last evaluated: 2023-10-30. Review status: no assertion criteria provided. Collection method: clinical testing. Allele origin: germline. Affected: yes. Not counted in ClinVar's aggregate classification.

NM_000410.4(HFE):c.40C>G (p.Leu14Val)

Genes: HFE (homeostatic iron regulator; plus strand), HFE-AS1 (HFE antisense RNA 1; minus strand). Cytogenetic location: 6p22.2.
Variant type: single nucleotide variant.
Coding change: c.40C>G on transcript NM_000410.4 (MANE Select); coding-DNA position 40, C replaced by G.
Protein change: p.Leu14Val; replaces leucine 14 with valine.
Molecular consequence: missense variant. On other transcripts: non-coding transcript variant (1).
Genome position (GRCh38, 1-based): chr6:26,087,480, C>G. VCF-style: chr6-26087480-C-G. GRCh37 (hg19) VCF-style: chr6-26087708-C-G.
Other names: c.40C>G, p.Leu14Val (NM_001300749.3, NM_001384164.1, NM_001406751.1 and 9 more transcripts); short protein forms L14V.
Identifiers: ClinVar variation 907724 (VCV000907724.13), dbSNP rs201657128, ClinGen allele CA3666562.